The following is an entry in ClinVar:

NM_002529.4(NTRK1):c.401C>A (p.Thr134Asn)

Gene: NTRK1 (neurotrophic receptor tyrosine kinase 1; plus strand). Cytogenetic location: 1q23.1.
Variant type: single nucleotide variant.
Coding change: c.401C>A on transcript NM_002529.4 (MANE Select); coding-DNA position 401, C replaced by A.
Protein change: p.Thr134Asn; replaces threonine 134 with asparagine.
Molecular consequence: missense variant.
Genome position (GRCh38, 1-based): chr1:156,866,951, C>A. VCF-style: chr1-156866951-C-A. GRCh37 (hg19) VCF-style: chr1-156836743-C-A.
Other names: c.311C>A, p.Thr104Asn (NM_001007792.1); c.401C>A, p.Thr134Asn (NM_001012331.2); short protein forms T104N, T134N.
Identifiers: ClinVar variation 965869 (VCV000965869.11), dbSNP rs778963822, ClinGen allele CA1168949.

ClinVar aggregate classification (germline): Uncertain significance. Review status: criteria provided, multiple submitters, no conflicts (2 of 4 stars). 3 submissions from 3 submitters: Uncertain significance (2). 1 of the submissions does not count toward it. Last evaluated 2024-08-29.

Conditions:
Hereditary insensitivity to pain with anhidrosis (CIPA). Also called: NEUROPATHY, CONGENITAL SENSORY, WITH ANHIDROSIS; hereditary sensory and autonomic neuropathy type 4; INSENSITIVITY TO PAIN, CONGENITAL, WITH ANHIDROSIS; HSAN Type IV; FAMILIAL DYSAUTONOMIA, TYPE II; NTRK1 Congenital Insensitivity to Pain with Anhidrosis. Identifiers: Orphanet 642, MedGen C0020074, MONDO:0009746, OMIM 256800.

Allele frequency attached by ClinVar (database versions not stated): TOPMed below 0.00001; gnomAD exomes 0.00002; ExAC 0.00003.
gnomAD v4.1: 11 of 1,614,270 alleles (0.00068%); highest among the groups gnomAD compares: Non-Finnish European, 0.00085%; no homozygotes.

Submissions (3):

ARUP Laboratories, Molecular Genetics and Genomics, ARUP Laboratories
Classification: Uncertain significance for Hereditary insensitivity to pain with anhidrosis. Last evaluated: 2024-08-29. Review status: criteria provided, single submitter. Criteria: ARUP Molecular Germline Variant Investigation Process 2024. Collection method: clinical testing. Allele origin: germline.
Comment: The NTRK1 c.401C>A; p.Thr134Asn variant (rs778963822), to our knowledge, is not reported in the medical literature but is reported in ClinVar (Variation ID: 965869). This variant is found in the non-Finnish European population with an allele frequency of 0.004% (5/113,770 alleles) in the Genome Aggregation Database (v2.1.1). Computational analyses predict that this variant is neutral (REVEL: 0.099). Due to limited information, the clinical significance of this variant is uncertain at this time.

Labcorp Genetics (formerly Invitae), Labcorp
Classification: Uncertain significance for Hereditary insensitivity to pain with anhidrosis. Last evaluated: 2022-02-18. Review status: criteria provided, single submitter. Criteria: Invitae Variant Classification Sherloc (09022015). Collection method: clinical testing. Allele origin: germline.
Comment: This sequence change replaces threonine, which is neutral and polar, with asparagine, which is neutral and polar, at codon 134 of the NTRK1 protein (p.Thr134Asn). This variant is present in population databases (rs778963822, gnomAD 0.004%). This variant has not been reported in the literature in individuals affected with NTRK1-related conditions. ClinVar contains an entry for this variant (Variation ID: 965869). Advanced modeling of protein sequence and biophysical properties (such as structural, functional, and spatial information, amino acid conservation, physicochemical variation, residue mobility, and thermodynamic stability) performed at Invitae indicates that this missense variant is expected to disrupt NTRK1 protein function. In summary, the available evidence is currently insufficient to determine the role of this variant in disease. Therefore, it has been classified as a Variant of Uncertain Significance.

Natera, Inc.
Classification: Uncertain significance for Hereditary insensitivity to pain with anhidrosis. Last evaluated: 2020-06-16. Review status: no assertion criteria provided. Collection method: clinical testing. Allele origin: germline. Not counted in ClinVar's aggregate classification.